The following is an entry in ClinVar:

ClinVar aggregate classification (germline): Uncertain significance (1 of 4 stars; one submission).

Conditions:
Singleton-Merten syndrome 1 (SGMRT1). Also called: Widened medullary cavities of bone, aortic calcification, abnormal dentition, and muscular weakness; Syndrome of widened medullary cavities of the metacarpals and phalanges, aortic calcification and abnormal dentition. Identifiers: Orphanet 85191, MedGen C4225427, MONDO:0024535, OMIM 182250.
Aicardi-Goutieres syndrome 7 (AGS7). Identifiers: Orphanet 51, MedGen C3888244, MONDO:0014367, OMIM 615846.

gnomAD v4.1: 9 of 1,612,814 alleles (0.00056%); highest among the groups gnomAD compares: South Asian, 0.0011%; no homozygotes.

Submission:

Labcorp Genetics (formerly Invitae), Labcorp
Classification: Uncertain significance for Aicardi-Goutieres syndrome 7; Singleton-Merten syndrome 1. Last evaluated: 2025-10-21. Review status: criteria provided, single submitter. Criteria: Invitae Variant Classification Sherloc (09022015). Collection method: clinical testing. Allele origin: germline.
Comment: This sequence change replaces isoleucine, which is neutral and non-polar, with threonine, which is neutral and polar, at codon 620 of the IFIH1 protein (p.Ile620Thr). This variant is not present in population databases (gnomAD no frequency). This variant has not been reported in the literature in individuals affected with IFIH1-related conditions. ClinVar contains an entry for this variant (Variation ID: 3758742). Invitae Evidence Modeling of protein sequence and biophysical properties (such as structural, functional, and spatial information, amino acid conservation, physicochemical variation, residue mobility, and thermodynamic stability) has been performed for this missense variant. However, the output from this modeling did not meet the statistical confidence thresholds required to predict the impact of this variant on IFIH1 protein function. In summary, the available evidence is currently insufficient to determine the role of this variant in disease. Therefore, it has been classified as a Variant of Uncertain Significance.

NM_022168.4(IFIH1):c.1859T>C (p.Ile620Thr)

Gene: IFIH1 (interferon induced with helicase C domain 1; minus strand). Cytogenetic location: 2q24.2.
Variant type: single nucleotide variant.
Coding change: c.1859T>C on transcript NM_022168.4 (MANE Select); coding-DNA position 1859, T replaced by C.
Protein change: p.Ile620Thr; replaces isoleucine 620 with threonine.
Molecular consequence: missense variant.
Genome position (GRCh38, 1-based): chr2:162,277,600, A>G on the plus strand (T>C on the coding strand, the complement: IFIH1 is on the minus strand). VCF-style: chr2-162277600-A-G. GRCh37 (hg19) VCF-style: chr2-163134110-A-G.
Other names: short protein forms I620T.
Identifiers: ClinVar variation 3758742 (VCV003758742.2).